The following is an entry in ClinVar:

NM_005263.5(GFI1):c.925-40CT[24]

Gene: GFI1 (growth factor independent 1 transcriptional repressor; minus strand). Cytogenetic location: 1p22.1.
Variant type: Microsatellite.
Coding change: c.925-40CT[24] on transcript NM_005263.5 (MANE Select); 24 copies in a row of the 2-base unit CT starting at c.925-40; the reference has 18 copies in a row; six copies, 12 bases duplicated.
Molecular consequence: intron variant.
Genome position (GRCh38, 1-based): chr1:92,478,758-92,478,769, AGAGAGAGAGAG duplicated on the plus strand (CTCTCTCTCTCT on the coding strand, the reverse complement: GFI1 is on the minus strand); duplicating any 12 consecutive bases within chr1:92,478,758-92,478,794 gives the same sequence; the position shown is the placement nearest the transcript's 3' end. VCF-style (leftmost placement, unchanged base first): chr1-92478757-C-CAGAGAGAGAGAG. GRCh37 (hg19) VCF-style: chr1-92944314-C-CAGAGAGAGAGAG.
Other names: p.?; c.925-40CT[24] (NM_001127216.3, NM_001127215.3); c.925-16_925-5dup12 (NM_005263.3, NM_005263.5); c.925-16_925-5dup (NM_005263.5).
Identifiers: ClinVar variation 770490 (VCV000770490.19), dbSNP rs35896485, ClinGen allele CA740368765.

ClinVar aggregate classification (germline): Benign/Likely benign. Review status: criteria provided, multiple submitters, no conflicts (2 of 4 stars). 6 submissions from 6 submitters: Benign (4); Likely benign (1). 1 of the submissions does not count toward it. Last evaluated 2026-02-02.

Conditions:
GFI1-related disorder. Also called: GFI1-related condition.
Neutropenia, severe congenital, 2, autosomal dominant. Identifiers: Orphanet 486, MedGen C2751288, MONDO:0013139, OMIM 613107.

Submissions (6):

Labcorp Genetics (formerly Invitae), Labcorp
Classification: Benign for Neutropenia, severe congenital, 2, autosomal dominant. Last evaluated: 2026-02-02. Review status: criteria provided, single submitter. Criteria: Invitae Variant Classification Sherloc (09022015). Collection method: clinical testing. Allele origin: germline.

Women's Health and Genetics/Laboratory Corporation of America, LabCorp
Classification: Benign. Last evaluated: 2026-01-22. Review status: criteria provided, single submitter. Criteria: LabCorp Variant Classification Summary - May 2015. Collection method: clinical testing. Allele origin: germline.
Comment: Variant summary: GFI1 c.925-16_925-5dup12 is located at a position not widely known to affect splicing. Consensus agreement among computation tools predicts no significant impact on normal splicing. However, these predictions have yet to be confirmed by functional studies. The variant allele was found at a frequency of 0.013 in 1506828 control chromosomes in the gnomAD database, including 107 homozygotes. The observed variant frequency exceeds the estimated maximal expected allele frequency for disease-causing variants in GFI1. To our knowledge, no occurrence of c.925-16_925-5dup12 in individuals affected with GFI1-related conditions and no experimental evidence demonstrating its impact on protein function have been reported. ClinVar contains an entry for this variant (Variation ID: 770490). Based on the evidence outlined above, the variant was classified as benign.

Blueprint Genetics
Classification: Likely benign. Last evaluated: 2024-11-25. Review status: criteria provided, single submitter. Criteria: ACMG Guidelines, 2015. Collection method: clinical testing. Allele origin: germline.

Mayo Clinic Laboratories, Mayo Clinic
Classification: Benign. Last evaluated: 2023-06-14. Review status: criteria provided, single submitter. Criteria: ACMG Guidelines, 2015. Collection method: clinical testing. Allele origin: germline. Observed: 16 variant alleles.
Comment: BP4, BP7

Genetic Services Laboratory, University of Chicago
Classification: Benign. Last evaluated: 2021-03-01. Review status: criteria provided, single submitter. Criteria: ACMG Guidelines, 2015. Collection method: clinical testing. Allele origin: germline. Affected: no.

PreventionGenetics, part of Exact Sciences
Classification: Likely benign for GFI1-related condition. Last evaluated: 2020-04-01. Review status: no assertion criteria provided. Collection method: clinical testing. Allele origin: germline. Not counted in ClinVar's aggregate classification.
Comment: This variant is classified as likely benign based on ACMG/AMP sequence variant interpretation guidelines (Richards et al. 2015 PMID: 25741868, with internal and published modifications).